The following is an entry in ClinVar:

ClinVar aggregate classification (germline): Uncertain significance (1 of 4 stars; one submission).

Allele frequency attached by ClinVar (database versions not stated): TOPMed below 0.00001.

Submission:

Labcorp Genetics (formerly Invitae), Labcorp
Classification: Uncertain significance. Last evaluated: 2022-03-27. Review status: criteria provided, single submitter. Criteria: Invitae Variant Classification Sherloc (09022015). Collection method: clinical testing. Allele origin: germline.
Comment: This variant has not been reported in the literature in individuals affected with ABCC6-related conditions. In summary, the available evidence is currently insufficient to determine the role of this variant in disease. Therefore, it has been classified as a Variant of Uncertain Significance. Algorithms developed to predict the effect of missense changes on protein structure and function are either unavailable or do not agree on the potential impact of this missense change (SIFT: "Deleterious"; PolyPhen-2: "Benign"; Align-GVGD: "Class C0"). This variant is not present in population databases (gnomAD no frequency). This sequence change replaces proline, which is neutral and non-polar, with leucine, which is neutral and non-polar, at codon 1247 of the ABCC6 protein (p.Pro1247Leu).

NM_001171.6(ABCC6):c.3740C>T (p.Pro1247Leu)

Gene: ABCC6 (ATP binding cassette subfamily C member 6; minus strand). Cytogenetic location: 16p13.11.
Variant type: single nucleotide variant.
Coding change: c.3740C>T on transcript NM_001171.6 (MANE Select); coding-DNA position 3740, C replaced by T.
Protein change: p.Pro1247Leu; replaces proline 1247 with leucine.
Molecular consequence: missense variant. On other transcripts: non-coding transcript variant (1).
Genome position (GRCh38, 1-based): chr16:16,157,805, G>A on the plus strand (C>T on the coding strand, the complement: ABCC6 is on the minus strand). VCF-style: chr16-16157805-G-A. GRCh37 (hg19) VCF-style: chr16-16251662-G-A.
Other names: c.3398C>T, p.Pro1133Leu (NM_001351800.1); short protein forms P1133L, P1247L.
Identifiers: ClinVar variation 2118478 (VCV002118478.4), dbSNP rs200242428, ClinGen allele CA278627661.
Genomic context (GRCh38, chr16:16,157,805, plus strand): 5'-AACTCGATCTGCCCGCCCTGAGGCCAGGGGGGCTGAGCTGCACATGTGGGCAGCCTCCAG[G>A]GAGCCTGGAGCAGGAGGGGAAACTGAGTCAGAGGAGCCTTCCTCTAAGACTTCACACAAG-3'
Protein context (NP_001162.5, residues 1237-1257): QDYAWTPKEA[Pro1247Leu]WRLPTCAAQP